The following is an entry in ClinVar:

ClinVar aggregate classification (germline): Uncertain significance. Review status: criteria provided, multiple submitters, no conflicts (2 of 4 stars). 2 submissions from 2 submitters: Uncertain significance (2). Last evaluated 2025-03-01.

Conditions:
Hypercholesterolemia, autosomal dominant, type B (FHCL2). Also called: Familial Hypercholesterolemia Type B; APOLIPOPROTEIN B-100, FAMILIAL DEFECTIVE; APOLIPOPROTEIN B-100, FAMILIAL LIGAND-DEFECTIVE; Hyperlipoproteinemia Type IIb; Familial hypercholesterolemia 2; APOB-Related Familial Hypercholesterolemia, Autosomal Dominant. Identifiers: MedGen C1704417, MONDO:0007751, OMIM 144010.
Familial hypobetalipoproteinemia 1. Also called: APOB-Related Familial Hypobetalipoproteinemia; Hypobetalipoproteinemia, normotriglyceridemic; Acanthocytosis with hypobetalipoproteinemia. Identifiers: MedGen C4551990, MONDO:0014252, OMIM 615558.

Allele frequency attached by ClinVar (database versions not stated): TOPMed below 0.00001; gnomAD 0.00001; gnomAD exomes 0.00001.
gnomAD v4.1: 11 of 1,613,948 alleles (0.00068%); highest among the groups gnomAD compares: Middle Eastern, 0.016%; no homozygotes.

Submissions (2):

CeGaT Center for Human Genetics Tuebingen
Classification: Uncertain significance. Last evaluated: 2025-03-01. Review status: criteria provided, single submitter. Criteria: CeGaT Center For Human Genetics Tuebingen Variant Classification Criteria Version 2. Collection method: clinical testing. Allele origin: germline. Affected: yes. Observed: 1 variant allele.

Labcorp Genetics (formerly Invitae), Labcorp
Classification: Uncertain significance for Familial hypobetalipoproteinemia 1; Hypercholesterolemia, autosomal dominant, type B. Last evaluated: 2022-07-31. Review status: criteria provided, single submitter. Criteria: Invitae Variant Classification Sherloc (09022015). Collection method: clinical testing. Allele origin: germline.
Comment: In summary, the available evidence is currently insufficient to determine the role of this variant in disease. Therefore, it has been classified as a Variant of Uncertain Significance. Algorithms developed to predict the effect of missense changes on protein structure and function output the following: SIFT: "Tolerated"; PolyPhen-2: "Benign"; Align-GVGD: "Class C0". The isoleucine amino acid residue is found in multiple mammalian species, which suggests that this missense change does not adversely affect protein function. This variant has not been reported in the literature in individuals affected with APOB-related conditions. This variant is not present in population databases (gnomAD no frequency). This sequence change replaces threonine, which is neutral and polar, with isoleucine, which is neutral and non-polar, at codon 2447 of the APOB protein (p.Thr2447Ile).

NM_000384.3(APOB):c.7340C>T (p.Thr2447Ile)

Gene: APOB (apolipoprotein B; minus strand). Cytogenetic location: 2p24.1.
Variant type: single nucleotide variant.
Coding change: c.7340C>T on transcript NM_000384.3 (MANE Select); coding-DNA position 7340, C replaced by T.
Protein change: p.Thr2447Ile; replaces threonine 2447 with isoleucine.
Molecular consequence: missense variant.
Genome position (GRCh38, 1-based): chr2:21,009,528, G>A on the plus strand (C>T on the coding strand, the complement: APOB is on the minus strand). VCF-style: chr2-21009528-G-A. GRCh37 (hg19) VCF-style: chr2-21232400-G-A.
Other names: short protein forms T2447I.
Identifiers: ClinVar variation 2079600 (VCV002079600.10), dbSNP rs1201306484, ClinGen allele CA345997366.
Genomic context (GRCh38, chr2:21,009,528, plus strand): 5'-TTTAATGCTTCAGCTTTTTGTGGTAGTTCCAGAGCCTGAATTTCACCATTGAGTCTCTGA[G>A]TCACCTCACGGATTTTGTCATTGGTTTCATCTACAAACTGGTGGTAATCAAATGACTTTA-3'
Protein context (NP_000375.3, residues 2437-2457): DETNDKIREV[Thr2447Ile]QRLNGEIQAL